The following is an entry in ClinVar:

ClinVar aggregate classification (germline): Uncertain significance (1 of 4 stars; one submission).

Allele frequency attached by ClinVar (database versions not stated): TOPMed below 0.00001; gnomAD 0.00001; gnomAD exomes 0.00001.
gnomAD v4.1: 10 of 1,546,696 alleles (0.00065%); highest among the groups gnomAD compares: Non-Finnish European, 0.00089%; no homozygotes.

Submission:

Ambry Genetics
Classification: Uncertain significance. Last evaluated: 2024-03-30. Review status: criteria provided, single submitter. Criteria: Ambry Variant Classification Scheme 2023. Collection method: clinical testing. Allele origin: germline.
Comment: The p.S289N variant (also known as c.866G>A), located in coding exon 9 of the KIF1B gene, results from a G to A substitution at nucleotide position 866. The serine at codon 289 is replaced by asparagine, an amino acid with highly similar properties. This amino acid position is conserved. In addition, this alteration is predicted to be tolerated by in silico analysis. Since supporting evidence is limited at this time, the clinical significance of this alteration remains unclear.

NM_001365951.3(KIF1B):c.884G>A (p.Ser295Asn)

Gene: KIF1B (kinesin family member 1B; plus strand). Cytogenetic location: 1p36.22.
Variant type: single nucleotide variant.
Coding change: c.884G>A on transcript NM_001365951.3 (MANE Select); coding-DNA position 884, G replaced by A.
Protein change: p.Ser295Asn; replaces serine 295 with asparagine.
Molecular consequence: missense variant.
Genome position (GRCh38, 1-based): chr1:10,275,429, G>A. VCF-style: chr1-10275429-G-A. GRCh37 (hg19) VCF-style: chr1-10335487-G-A.
Other names: c.884G>A, p.Ser295Asn (NM_001365952.1); c.866G>A, p.Ser289Asn (NM_001365953.1, NM_015074.3, NM_183416.4); short protein forms S289N, S295N.
Identifiers: ClinVar variation 1764238 (VCV001764238.3), dbSNP rs549784845, ClinGen allele CA17839657.
Genomic context (GRCh38, chr1:10,275,429, plus strand): 5'-TTCTTGGGAATTTTTTTCCCTAACGAAAAATGCTAAGACCATTTCTTTTCCTTTAATAGA[G>A]TAAAAAGAAGAAGAAAACAGATTTTATTCCCTACAGGGATTCTGTACTTACTTGGCTCCT-3'
Protein context (NP_001352880.1, residues 285-305): LAEVDNCTSK[Ser295Asn]KKKKKTDFIP